The following is an entry in ClinVar:

ClinVar aggregate classification (germline): Uncertain significance (1 of 4 stars; one submission).

Conditions:
CHD5-related Neurodevelopmental disorder.

gnomAD v4.1: 3 of 1,613,536 alleles (0.00019%); highest among the groups gnomAD compares: Non-Finnish European, 0.00025%; no homozygotes.

Submission:

New York Genome Center
Classification: Uncertain significance for CHD5-related Neurodevelopmental disorder. Last evaluated: 2021-06-11. Review status: criteria provided, single submitter. Criteria: NYGC Assertion Criteria 2020. Collection method: clinical testing. Allele origin: inherited. Observed: 1 heterozygote. Study: CSER-NYCKidSeq.
Comment: The inherited c.5204T>A (p.Ile1735Asn) variant identified in the CHD5 gene substitutes a well conserved Isoleucine for Asparagine atamino acid 1735/1955 (exon 36/42). This variant is absent from gnomAD(v3.1.1) suggesting it is not a common benign variant in the populations represented in that database. In silico algorithms predict this variant to be Damaging (SIFT; score:0.00) and Pathogenic (REVEL; score:0.79) to the function of the canonical transcript. This variant is absent from ClinVar and to our current knowledge has not been reported in affected individuals in the literature. The p.Ile1735 residue is within theC-terminal domain B of chromo domain-associated CHD-like helicases (CHDCT2; amino acids 1732-1903) [PMID:33944996]. The inherited c.5204T>A(p.Ile1735Asn) variant identified in the CHD5 gene is reported as a Variant of Uncertain Significance.

NM_015557.3(CHD5):c.5204T>A (p.Ile1735Asn)

Gene: CHD5 (chromodomain helicase DNA binding protein 5; minus strand). Cytogenetic location: 1p36.31.
Variant type: single nucleotide variant.
Coding change: c.5204T>A on transcript NM_015557.3 (MANE Select); coding-DNA position 5204, T replaced by A.
Protein change: p.Ile1735Asn; replaces isoleucine 1735 with asparagine.
Molecular consequence: missense variant.
Genome position (GRCh38, 1-based): chr1:6,111,820, A>T on the plus strand (T>A on the coding strand, the complement: CHD5 is on the minus strand). VCF-style: chr1-6111820-A-T. GRCh37 (hg19) VCF-style: chr1-6171880-A-T.
Other names: short protein forms I1735N.
Identifiers: ClinVar variation 1342521 (VCV001342521.1), dbSNP rs775681121, ClinGen allele CA17139889.